The following is an entry in ClinVar:

NM_000535.7(PMS2):c.2439del (p.Lys814fs)

Gene: PMS2 (PMS1 homolog 2, mismatch repair system component; minus strand). Cytogenetic location: 7p22.1.
Variant type: Deletion.
Coding change: c.2439del on transcript NM_000535.7 (MANE Select); coding-DNA position 2439, one base deleted (G; older notation c.2439delG).
Protein change: p.Lys814fs; shifts the reading frame from lysine 814.
Molecular consequence: frameshift variant. On other transcripts: non-coding transcript variant (1).
Genome position (GRCh38, 1-based): chr7:5,977,594, C deleted on the plus strand (G on the coding strand, the reverse complement: PMS2 is on the minus strand); the first of 2 consecutive C bases (chr7:5,977,594-5,977,595); deleting either gives the same sequence. VCF-style (leftmost placement, unchanged base first): chr7-5977593-TC-T. GRCh37 (hg19) VCF-style: chr7-6017224-TC-T.
Other names: c.2033delG, p.Lys679Serfs (NM_001018040.1, NM_001406889.1, NM_001406890.1 and 9 more transcripts); c.2034del, p.Lys679fs (NM_001322003.2, NM_001322004.2, NM_001322005.2); c.2283del, p.Lys762fs (NM_001322006.2); c.2121del, p.Lys708fs (NM_001322007.2, NM_001322008.2); c.2067del, p.Lys690fs (NM_001322009.2); c.1878del, p.Lys627fs (NM_001322010.2); c.1506del, p.Lys503fs (NM_001322011.2, NM_001322012.2); c.1866del, p.Lys623fs (NM_001322013.2); and 27 more; short protein forms K711fs, K825fs, K814fs, K503fs, K690fs, K708fs, K762fs, K623fs.
Identifiers: ClinVar variation 1791272 (VCV001791272.2), dbSNP rs2535307633, ClinGen allele CA2580076781.
Genomic context (GRCh38, chr7:5,977,593, plus strand): 5'-TTCCTCGACTGCAAGCTTGAGCAGCTGAGCTGACAGCCAGGCTTTCTTTACTTACCGACT[TC>T]CGGCAGGCTCTGGAGGCAAACATCTGCTTGACTCGGGAAGGCCGGCACATGACCCCAGGG-3'

ClinVar aggregate classification (germline): Pathogenic (1 of 4 stars; one submission).

Conditions:
Hereditary cancer-predisposing syndrome. Also called: Hereditary Cancer Syndrome; Hereditary neoplastic syndrome; Tumor predisposition; Neoplastic Syndromes, Hereditary. Identifiers: Orphanet 140162, MedGen C0027672, MeSH D009386, MONDO:0015356.

Submission:

Ambry Genetics
Classification: Pathogenic for Hereditary cancer-predisposing syndrome. Last evaluated: 2019-10-07. Review status: criteria provided, single submitter. Criteria: Ambry Variant Classification Scheme 2023. Collection method: clinical testing. Allele origin: germline.
Comment: The c.2439delG variant, located in coding exon 14 of the PMS2 gene, results from a deletion of one nucleotide at nucleotide position 2439, causing a translational frameshift with a predicted alternate stop codon (p.K814Sfs*3). This alteration is expected to result in loss of function by premature protein truncation or nonsense-mediated mRNA decay. As such, this alteration is interpreted as a disease-causing mutation.